The following is an entry in ClinVar:

NC_012920.1(MT-ND2):m.5302T>C

Gene: MT-ND2 (mitochondrially encoded NADH dehydrogenase 2; plus strand).
Variant type: single nucleotide variant.
Genome position: chrM-5302-T-C.
Identifiers: ClinVar variation 235811 (VCV000235811.3), dbSNP rs878853115, ClinGen allele CA10581433.
Genomic context (GRCh38, chrMT:5,302, plus strand): 5'-CCGGCTTTTTGCCCAAATGGGCCATTATCGAAGAATTCACAAAAAACAATAGCCTCATCA[T>C]CCCCACCATCATAGCCACCATCACCCTCCTTAACCTCTACTTCTACCTACGCCTAATCTA-3'

ClinVar aggregate classification (germline): Benign. Review status: criteria provided, multiple submitters, no conflicts (2 of 4 stars). 2 submissions from 2 submitters: Benign (2). Last evaluated 2019-10-17.

Conditions:
Leigh syndrome (NULS). Also called: Leigh Syndrome (mtDNA deletion); Leigh's syndrome; LEIGH SYNDROME, NUCLEAR; Leigh Disease; Subacute necrotizing encephalopathy; Necrotizing encephalopathy infantile subacute of Leigh. Identifiers: Orphanet 506, MedGen C2931891, MONDO:0009723, OMIM 256000.

Submissions (2):

Wong Mito Lab, Molecular and Human Genetics, Baylor College of Medicine
Classification: Benign for Leigh syndrome. Last evaluated: 2019-10-17. Review status: criteria provided, single submitter. Criteria: Modified ACMG Guidelines (Unpublished). Collection method: clinical testing. Allele origin: germline.
Comment: The NC_012920.1:m.5302T>C (YP_003024027.1:p.Ile278Thr) variant in MTND2 gene is interpretated to be a Benign variant based on the modified ACMG guidelines (unpublished). This variant meets the following evidence codes: BS1, BS2, BP4

Center for Pediatric Genomic Medicine, Children's Mercy Hospital and Clinics
Classification: Benign. Last evaluated: 2016-01-06. Review status: criteria provided, single submitter. Criteria: ACMG Guidelines, 2015. Collection method: clinical testing. Allele origin: germline.